The following is an entry in ClinVar:

ClinVar aggregate classification (germline): Uncertain significance (1 of 4 stars; one submission).

Conditions:
Hereditary cancer-predisposing syndrome. Also called: Tumor predisposition; Neoplastic Syndromes, Hereditary; Hereditary neoplastic syndrome; Hereditary Cancer Syndrome. Identifiers: Orphanet 140162, MedGen C0027672, MeSH D009386, MONDO:0015356.

Submission:

Ambry Genetics
Classification: Uncertain significance for Hereditary cancer-predisposing syndrome. Last evaluated: 2025-08-27. Review status: criteria provided, single submitter. Criteria: Ambry Variant Classification Scheme 2023. Collection method: clinical testing. Allele origin: germline.
Comment: The p.Q379K variant (also known as c.1135C>A), located in coding exon 12 of the MUTYH gene, results from a C to A substitution at nucleotide position 1135. The glutamine at codon 379 is replaced by lysine, an amino acid with similar properties. This amino acid position is conserved. In addition, the in silico prediction for this alteration is inconclusive. Based on the available evidence, the clinical significance of this variant remains unclear.

NM_001048174.2(MUTYH):c.1051C>A (p.Gln351Lys)

Gene: MUTYH (mutY DNA glycosylase; minus strand). Cytogenetic location: 1p34.1.
Variant type: single nucleotide variant.
Coding change: c.1051C>A on transcript NM_001048174.2 (MANE Select); coding-DNA position 1051, C replaced by A.
Protein change: p.Gln351Lys; replaces glutamine 351 with lysine.
Molecular consequence: missense variant. On other transcripts: non-coding transcript variant (7).
Genome position (GRCh38, 1-based): chr1:45,331,712, G>T on the plus strand (C>A on the coding strand, the complement: MUTYH is on the minus strand). VCF-style: chr1-45331712-G-T. GRCh37 (hg19) VCF-style: chr1-45797384-G-T.
Other names: c.1051C>A, p.Gln351Lys (NM_001293195.2, NM_001407070.1, NM_001407072.1 and 6 more transcripts); c.775C>A, p.Gln259Lys (NM_001293196.2, NM_001407091.1, NM_001293192.2); c.706C>A, p.Gln236Lys (NM_001350650.2, NM_001350651.2, NM_001407082.1); c.1084C>A, p.Gln362Lys (NM_001407069.1, NM_001293191.2, NM_001407077.1); c.1054C>A, p.Gln352Lys (NM_001407071.1, NM_001048172.2, NM_001407078.1 and 1 more transcripts); c.1072C>A, p.Gln358Lys (NM_001407087.1); c.1126C>A, p.Gln376Lys (NM_012222.3); c.1135C>A, p.Gln379Lys (NM_001128425.2); and 5 more; short protein forms Q259K, Q323K, Q352K, Q366K, Q236K, Q337K, Q362K, Q365K.
Identifiers: ClinVar variation 4113041 (VCV004113041.1).
Genomic context (GRCh38, chr1:45,331,712, plus strand): 5'-TCCAGGTACCTGAGTTGGGCCTCTGCACCAGCAGAATTTGGGCCCCAAGGGCCCCAGGCT[G>T]TTCCAGAACACAGGTGGCAGAGCTCTCCTCCCTGGGGGGCTTGCGGCTGGCCTTTCTGGG-3'
Protein context (NP_001041639.1, residues 341-361): EESSATCVLE[Gln351Lys]PGALGAQILL